The following is an entry in ClinVar:

ClinVar aggregate classification (germline): Likely benign. Review status: criteria provided, multiple submitters, no conflicts (2 of 4 stars). 2 submissions from 2 submitters: Likely benign (2). Last evaluated 2026-04-02.

Conditions:
Hypertrophic cardiomyopathy. Also called: HYPERTROPHIC MYOCARDIOPATHY. Identifiers: Orphanet 217569, MedGen C0007194, MeSH D002312, MONDO:0005045, HP:0001639.
Cardiovascular phenotype. Identifiers: MedGen CN230736.

Submissions (2):

Ambry Genetics
Classification: Likely benign for Cardiovascular phenotype. Last evaluated: 2026-04-02. Review status: criteria provided, single submitter. Criteria: Ambry Variant Classification Scheme 2023. Collection method: clinical testing. Allele origin: germline.

All of Us Research Program, National Institutes of Health
Classification: Likely benign for Hypertrophic cardiomyopathy. Last evaluated: 2024-04-16. Review status: criteria provided, single submitter. Criteria: ACMG Guidelines, 2015. Collection method: clinical testing. Allele origin: germline. Inheritance: Autosomal dominant inheritance. Observed: 1 variant allele, 1 heterozygote.
Comment: This study involves interpretation of variants in research participants for the purpose of population health screening. Participant phenotype was not available at the time of variant classification. Additional details can be found in publication PMID: 35346344, PMCID: PMC8962531

NM_000258.3(MYL3):c.75T>A (p.Pro25=)

Gene: MYL3 (myosin light chain 3; minus strand). Cytogenetic location: 3p21.31.
Variant type: single nucleotide variant.
Coding change: c.75T>A on transcript NM_000258.3 (MANE Select); coding-DNA position 75, T replaced by A.
Protein change: p.Pro25=; no amino-acid change (proline 25 retained).
Molecular consequence: synonymous variant.
Genome position (GRCh38, 1-based): chr3:46,863,316, A>T on the plus strand (T>A on the coding strand, the complement: MYL3 is on the minus strand). VCF-style: chr3-46863316-A-T. GRCh37 (hg19) VCF-style: chr3-46904806-A-T.
Other names: c.75T>A, p.Pro25= (NM_001406937.1, NM_001406938.1, NM_001406939.1).
Identifiers: ClinVar variation 3387391 (VCV003387391.2).